The following is an entry in ClinVar:

NM_000350.3(ABCA4):c.302+5G>C

Gene: ABCA4 (ATP binding cassette subfamily A member 4; minus strand). Cytogenetic location: 1p22.1.
Variant type: single nucleotide variant.
Coding change: c.302+5G>C on transcript NM_000350.3 (MANE Select); 5 bases into the intron after coding-DNA position 302, G replaced by C.
Molecular consequence: intron variant.
Genome position (GRCh38, 1-based): chr1:94,111,433, C>G on the plus strand (G>C on the coding strand, the complement: ABCA4 is on the minus strand). VCF-style: chr1-94111433-C-G. GRCh37 (hg19) VCF-style: chr1-94576989-C-G.
Identifiers: ClinVar variation 2021124 (VCV002021124.4), dbSNP rs2524007447, ClinGen allele CA2580063335.

ClinVar aggregate classification (germline): Uncertain significance (1 of 4 stars; one submission).

Submission:

Labcorp Genetics (formerly Invitae), Labcorp
Classification: Uncertain significance. Last evaluated: 2023-03-17. Review status: criteria provided, single submitter. Criteria: Invitae Variant Classification Sherloc (09022015). Collection method: clinical testing. Allele origin: germline.
Comment: Variants that disrupt the consensus splice site are a relatively common cause of aberrant splicing (PMID: 17576681, 9536098). Algorithms developed to predict the effect of sequence changes on RNA splicing suggest that this variant may disrupt the consensus splice site. ClinVar contains an entry for this variant (Variation ID: 2021124). This variant has been observed in individual(s) with ABCA4-related conditions (Invitae). In at least one individual the data is consistent with being in trans (on the opposite chromosome) from a pathogenic variant. This variant is not present in population databases (gnomAD no frequency). This sequence change falls in intron 3 of the ABCA4 gene. It does not directly change the encoded amino acid sequence of the ABCA4 protein. It affects a nucleotide within the consensus splice site. In summary, the available evidence is currently insufficient to determine the role of this variant in disease. Therefore, it has been classified as a Variant of Uncertain Significance.

Literature cited by the submitters: PubMed 17576681; PubMed 9536098.